The following is an entry in ClinVar:

ClinVar aggregate classification (germline): Uncertain significance. Review status: criteria provided, multiple submitters, no conflicts (2 of 4 stars). 6 submissions from 6 submitters: Uncertain significance (6). Last evaluated 2025-07-30.

Conditions:
Cardiovascular phenotype. Identifiers: MedGen CN230736.
Arrhythmogenic right ventricular cardiomyopathy (ARVD). Also called: Arrhythmogenic cardiomyopathy; Arrhythmogenic Right Ventricular Cardiomyopathy (ARVC); Cardiomyopathy, ARVC; Arrhythmogenic right ventricular dysplasia. Identifiers: Orphanet 247, MedGen C0349788, MeSH D019571, MONDO:0016587. Disease mechanism: loss of function. Inheritance: Various modes of inheritance.
Cardiomyopathy (CMYO). Also called: Cardiomyopathies. Identifiers: Orphanet 167848, MedGen C0878544, MONDO:0004994, HP:0001638. Inheritance: Various modes of inheritance.
Arrhythmogenic right ventricular dysplasia 9 (ARVD9). Also called: Arrhythmogenic Right Ventricular Dysplasia/Cardiomyopathy 9; ARRHYTHMOGENIC RIGHT VENTRICULAR DYSPLASIA, FAMILIAL, 9. Identifiers: MedGen C1836906, MONDO:0012180, OMIM 609040.

Allele frequency attached by ClinVar (database versions not stated): gnomAD exomes 0.00001; gnomAD 0.00003 and 0.00004; TOPMed 0.00005; ESP Exome Variant Server 0.00015; ExAC 0.00001.
gnomAD v4.1: 13 of 1,614,010 alleles (0.00081%); highest among the groups gnomAD compares: African/African-American, 0.017%; no homozygotes.

Submissions (6):

Labcorp Genetics (formerly Invitae), Labcorp
Classification: Uncertain significance for Arrhythmogenic right ventricular dysplasia 9. Last evaluated: 2025-07-30. Review status: criteria provided, single submitter. Criteria: Invitae Variant Classification Sherloc (09022015). Collection method: clinical testing. Allele origin: germline.
Comment: This sequence change replaces glycine, which is neutral and non-polar, with valine, which is neutral and non-polar, at codon 741 of the PKP2 protein (p.Gly741Val). This variant is present in population databases (rs143503798, gnomAD 0.02%). This variant has not been reported in the literature in individuals affected with PKP2-related conditions. ClinVar contains an entry for this variant (Variation ID: 164953). An algorithm developed to predict the effect of missense changes on protein structure and function (PolyPhen-2) suggests that this variant is likely to be disruptive. In summary, the available evidence is currently insufficient to determine the role of this variant in disease. Therefore, it has been classified as a Variant of Uncertain Significance.

GeneDx
Classification: Uncertain significance. Last evaluated: 2025-01-21. Review status: criteria provided, single submitter. Criteria: GeneDx Variant Classification Process June 2021. Collection method: clinical testing. Allele origin: germline. Affected: yes.
Comment: Not observed at significant frequency in large population cohorts (gnomAD); In silico analysis supports that this missense variant has a deleterious effect on protein structure/function; Has not been previously published as pathogenic or benign to our knowledge

All of Us Research Program, National Institutes of Health
Classification: Uncertain significance for Arrhythmogenic right ventricular cardiomyopathy. Last evaluated: 2024-09-23. Review status: criteria provided, single submitter. Criteria: ACMG Guidelines, 2015. Collection method: clinical testing. Allele origin: germline. Inheritance: Autosomal dominant inheritance. Observed: 2 variant alleles, 2 heterozygotes.
Comment: This missense variant replaces glycine with valine at codon 741 of the PKP2 protein. Computational prediction is inconclusive regarding the impact of this variant on protein structure and function (internally defined REVEL score threshold 0.5 < inconclusive < 0.7, PMID: 27666373). To our knowledge, functional studies have not been reported for this variant. This variant has not been reported in individuals affected with cardiovascular disorders in the literature. This variant has been identified in 5/282786 chromosomes in the general population by the Genome Aggregation Database (gnomAD). The available evidence is insufficient to determine the role of this variant in disease conclusively. Therefore, this variant is classified as a Variant of Uncertain Significance.

This study involves interpretation of variants in research participants for the purpose of population health screening. Participant phenotype was not available at the time of variant classification. Additional details can be found in publication PMID: 35346344, PMCID: PMC8962531

Color Diagnostics, LLC DBA Color Health
Classification: Uncertain significance for Cardiomyopathy. Last evaluated: 2024-03-06. Review status: criteria provided, single submitter. Criteria: ACMG Guidelines, 2015. Collection method: clinical testing. Allele origin: germline.
Comment: This missense variant replaces glycine with valine at codon 741 of the PKP2 protein. Computational prediction is inconclusive regarding the impact of this variant on protein structure and function (internally defined REVEL score threshold 0.5 < inconclusive < 0.7, PMID: 27666373). To our knowledge, functional studies have not been reported for this variant. This variant has not been reported in individuals affected with cardiovascular disorders in the literature. This variant has been identified in 5/282786 chromosomes in the general population by the Genome Aggregation Database (gnomAD). The available evidence is insufficient to determine the role of this variant in disease conclusively. Therefore, this variant is classified as a Variant of Uncertain Significance.

Ambry Genetics
Classification: Uncertain significance for Cardiovascular phenotype. Last evaluated: 2023-12-21. Review status: criteria provided, single submitter. Criteria: Ambry Variant Classification Scheme 2023. Collection method: clinical testing. Allele origin: germline.
Comment: The p.G741V variant (also known as c.2222G>T), located in coding exon 11 of the PKP2 gene, results from a G to T substitution at nucleotide position 2222. The glycine at codon 741 is replaced by valine, an amino acid with dissimilar properties. This amino acid position is well conserved in available vertebrate species. In addition, this alteration is predicted to be tolerated by in silico analysis. Since supporting evidence is limited at this time, the clinical significance of this alteration remains unclear.

Laboratory for Molecular Medicine, Mass General Brigham Personalized Medicine
Classification: Uncertain significance. Last evaluated: 2013-10-14. Review status: criteria provided, single submitter. Criteria: LMM Criteria. Collection method: clinical testing. Allele origin: germline. Observed: 1 variant allele.
Comment: The Gly741Val variant in PKP2 has not been previously reported in individuals wi th cardiomyopathy, but has been identified in 2/4406 African American chromosome s by the NHLBI Exome Sequencing Project (dbSN P rs143503798). Computational analyses (biochemical amino acid properties, conse rvation, AlignGVGD, PolyPhen2, and SIFT) do not provide strong support for or ag ainst an impact to the protein. Additional information is needed to fully assess the clinical significance of this variant.

NM_001005242.3(PKP2):c.2090G>T (p.Gly697Val)

Gene: PKP2 (plakophilin 2; minus strand). Cytogenetic location: 12p11.21.
Variant type: single nucleotide variant.
Coding change: c.2090G>T on transcript NM_001005242.3 (MANE Select); coding-DNA position 2090, G replaced by T.
Protein change: p.Gly697Val; replaces glycine 697 with valine.
Molecular consequence: missense variant.
Genome position (GRCh38, 1-based): chr12:32,802,480, C>A on the plus strand (G>T on the coding strand, the complement: PKP2 is on the minus strand). VCF-style: chr12-32802480-C-A. GRCh37 (hg19) VCF-style: chr12-32955414-C-A.
Other names: p.G741V:GGT>GTT; c.2222G>T, p.Gly741Val (NM_004572.4); short protein forms G741V, G697V.
Identifiers: ClinVar variation 164953 (VCV000164953.24), dbSNP rs143503798, ClinGen allele CA011814.
Genomic context (GRCh38, chr12:32,802,480, plus strand): 5'-GAAAGATTCCGGGACAGATTCCTCAGCAGCGAGATGGCTGTCTTTTTCACACTTGGGTCA[C>A]CAACATGCAGCATCTTTCGGGTGTGCTGCAGGCCACTTTCCTTCTGGACAACTGTCTGAG-3'
Protein context (NP_001005242.2, residues 687-707): LQHTRKMLHV[Gly697Val]DPSVKKTAIS